The following is an entry in ClinVar:

NM_014324.6(AMACR):c.553-3A>G

Genes: C1QTNF3-AMACR (C1QTNF3-AMACR readthrough (NMD candidate); minus strand), AMACR (alpha-methylacyl-CoA racemase; minus strand). Cytogenetic location: 5p13.2.
Variant type: single nucleotide variant.
Coding change: c.553-3A>G on transcript NM_014324.6 (MANE Select); 3 bases into the intron before coding-DNA position 553, A replaced by G.
Molecular consequence: intron variant.
Genome position (GRCh38, 1-based): chr5:33,998,830, T>C on the plus strand (A>G on the coding strand, the complement: AMACR is on the minus strand). VCF-style: chr5-33998830-T-C. GRCh37 (hg19) VCF-style: chr5-33998935-T-C.
Other names: c.392-3A>G (NM_203382.3); c.553-3A>G (NM_001167595.2, NM_014324.5).
Identifiers: ClinVar variation 1436594 (VCV001436594.5), dbSNP rs775486138, ClinGen allele CA3226167.

ClinVar aggregate classification (germline): Uncertain significance. Review status: criteria provided, multiple submitters, no conflicts (2 of 4 stars). 2 submissions from 2 submitters: Uncertain significance (2). Last evaluated 2026-06-24.

Conditions:
AMACR-related disorder. Also called: AMACR-Related Disorders; AMACR-related condition.
Alpha-methylacyl-CoA racemase deficiency (AMACRD). Also called: AMACR deficiency. Identifiers: Orphanet 79095, MedGen C3280428, MONDO:0013681, OMIM 614307. Disease mechanism: loss of function.

Allele frequency attached by ClinVar (database versions not stated): gnomAD exomes below 0.00001 and 0.00001; ExAC 0.00001.
gnomAD v4.1: 4 of 1,613,864 alleles (0.00025%); highest among the groups gnomAD compares: Admixed American, 0.0033%; no homozygotes.

Submissions (2):

PreventionGenetics, part of Exact Sciences
Classification: Uncertain significance for AMACR-related condition. Last evaluated: 2026-06-24. Review status: criteria provided, single submitter. Criteria: ACMG Guidelines, 2015. Collection method: clinical testing. Allele origin: germline.
Comment: The AMACR c.553-3A>G variant is predicted to interfere with splicing. To our knowledge, this variant has not been reported in the literature. This variant is predicted to alter splicing based on available splicing prediction programs (SpliceAI, Jaganathan et al. 2019. PubMed ID: 30661751). However, the use of computer prediction programs is not equivalent to functional evidence. This variant is reported in 0.0058% of alleles in individuals of Latino descent in gnomAD. At this time, the clinical significance of this variant is uncertain due to the absence of conclusive functional and genetic evidence.

Labcorp Genetics (formerly Invitae), Labcorp
Classification: Uncertain significance for Alpha-methylacyl-CoA racemase deficiency. Last evaluated: 2021-12-15. Review status: criteria provided, single submitter. Criteria: Invitae Variant Classification Sherloc (09022015). Collection method: clinical testing. Allele origin: germline.
Comment: This variant has not been reported in the literature in individuals affected with AMACR-related conditions. In summary, the available evidence is currently insufficient to determine the role of this variant in disease. Therefore, it has been classified as a Variant of Uncertain Significance. Variants that disrupt the consensus splice site are a relatively common cause of aberrant splicing (PMID: 17576681, 9536098). Algorithms developed to predict the effect of sequence changes on RNA splicing suggest that this variant may disrupt the consensus splice site. This variant is present in population databases (rs775486138, gnomAD 0.006%). This sequence change falls in intron 3 of the AMACR gene. It does not directly change the encoded amino acid sequence of the AMACR protein. It affects a nucleotide within the consensus splice site.

Literature cited by the submitters: PubMed 17576681 (cited by Labcorp Genetics (formerly Invitae), Labcorp); PubMed 9536098 (cited by Labcorp Genetics (formerly Invitae), Labcorp).